The following is an entry in ClinVar:

ClinVar aggregate classification (germline): Uncertain significance (1 of 4 stars; one submission).

gnomAD v4.1: 2 of 1,597,466 alleles (0.00013%); highest among the groups gnomAD compares: Non-Finnish European, 0.00017%; no homozygotes.

Submission:

Labcorp Genetics (formerly Invitae), Labcorp
Classification: Uncertain significance. Last evaluated: 2025-06-23. Review status: criteria provided, single submitter. Criteria: Invitae Variant Classification Sherloc (09022015). Collection method: clinical testing. Allele origin: germline.
Comment: This sequence change replaces proline, which is neutral and non-polar, with leucine, which is neutral and non-polar, at codon 406 of the SRP72 protein (p.Pro406Leu). This variant is not present in population databases (gnomAD no frequency). This variant has not been reported in the literature in individuals affected with SRP72-related conditions. Invitae Evidence Modeling of protein sequence and biophysical properties (such as structural, functional, and spatial information, amino acid conservation, physicochemical variation, residue mobility, and thermodynamic stability) indicates that this missense variant is not expected to disrupt SRP72 protein function with a negative predictive value of 80%. Algorithms developed to predict the effect of sequence changes on RNA splicing suggest that this variant may disrupt the consensus splice site. In summary, the available evidence is currently insufficient to determine the role of this variant in disease. Therefore, it has been classified as a Variant of Uncertain Significance.

NM_006947.4(SRP72):c.1217C>T (p.Pro406Leu)

Gene: SRP72 (signal recognition particle 72; plus strand). Cytogenetic location: 4q12.
Variant type: single nucleotide variant.
Coding change: c.1217C>T on transcript NM_006947.4 (MANE Select); coding-DNA position 1217, C replaced by T.
Protein change: p.Pro406Leu; replaces proline 406 with leucine.
Molecular consequence: missense variant. On other transcripts: non-coding transcript variant (1).
Genome position (GRCh38, 1-based): chr4:56,488,006, C>T. VCF-style: chr4-56488006-C-T. GRCh37 (hg19) VCF-style: chr4-57354172-C-T.
Other names: c.1034C>T, p.Pro345Leu (NM_001267722.2); short protein forms P345L, P406L.
Identifiers: ClinVar variation 4743349 (VCV004743349.1).